The following is an entry in ClinVar:

ClinVar aggregate classification (germline): Uncertain significance (1 of 4 stars; one submission).

Conditions:
Joubert syndrome 21 (JBTS21). Identifiers: MedGen C3810212, MONDO:0014288, OMIM 615636.

Submission:

Labcorp Genetics (formerly Invitae), Labcorp
Classification: Uncertain significance for Joubert syndrome 21. Last evaluated: 2021-06-06. Review status: criteria provided, single submitter. Criteria: Invitae Variant Classification Sherloc (09022015). Collection method: clinical testing. Allele origin: germline.
Comment: Algorithms developed to predict the effect of missense changes on protein structure and function are either unavailable or do not agree on the potential impact of this missense change (SIFT: "Deleterious"; PolyPhen-2: "Probably Damaging"; Align-GVGD: "Class C0"). This variant has not been reported in the literature in individuals with CSPP1-related conditions. This variant is not present in population databases (ExAC no frequency). This sequence change replaces alanine with proline at codon 628 of the CSPP1 protein (p.Ala628Pro). The alanine residue is highly conserved and there is a small physicochemical difference between alanine and proline. In summary, the available evidence is currently insufficient to determine the role of this variant in disease. Therefore, it has been classified as a Variant of Uncertain Significance.

NM_001382391.1(CSPP1):c.1897G>C (p.Ala633Pro)

Gene: CSPP1 (centrosome and spindle pole associated protein 1; plus strand). Cytogenetic location: 8q13.2.
Variant type: single nucleotide variant.
Coding change: c.1897G>C on transcript NM_001382391.1 (MANE Select); coding-DNA position 1897, G replaced by C.
Protein change: p.Ala633Pro; replaces alanine 633 with proline.
Molecular consequence: missense variant.
Genome position (GRCh38, 1-based): chr8:67,137,525, G>C. VCF-style: chr8-67137525-G-C. GRCh37 (hg19) VCF-style: chr8-68049760-G-C.
Other names: c.1774G>C, p.Ala592Pro (NM_001363133.2); c.1963G>C, p.Ala655Pro (NM_001364869.1); c.1783G>C, p.Ala595Pro (NM_001364870.1); c.1882G>C, p.Ala628Pro (NM_024790.7); c.1855G>C, p.Ala619Pro (NM_001363132.2); c.1816G>C, p.Ala606Pro (NM_001363131.2); c.1000G>C, p.Ala334Pro (NM_001291339.2); short protein forms A592P, A595P, A619P, A606P, A655P, A628P, A334P, A633P.
Identifiers: ClinVar variation 1399788 (VCV001399788.8), dbSNP rs2129555267, ClinGen allele CA371205592.